The following is an entry in ClinVar:

NM_000443.4(ABCB4):c.2561G>A (p.Trp854Ter)

Gene: ABCB4 (ATP binding cassette subfamily B member 4; minus strand). Cytogenetic location: 7q21.12.
Variant type: single nucleotide variant.
Coding change: c.2561G>A on transcript NM_000443.4 (MANE Select); coding-DNA position 2561, G replaced by A.
Protein change: p.Trp854Ter; replaces tryptophan 854 with a stop codon.
Molecular consequence: nonsense.
Genome position (GRCh38, 1-based): chr7:87,417,433, C>T on the plus strand (G>A on the coding strand, the complement: ABCB4 is on the minus strand). VCF-style: chr7-87417433-C-T. GRCh37 (hg19) VCF-style: chr7-87046749-C-T.
Other names: c.2561G>A, p.Trp854Ter (NM_018849.3, NM_018850.3); short protein forms W854*.
Identifiers: ClinVar variation 4846673 (VCV004846673.1).

ClinVar aggregate classification (germline): Pathogenic (1 of 4 stars; one submission).

Conditions:
Familial intrahepatic cholestasis. Identifiers: Orphanet 284385, MedGen CN296401, MONDO:0017290.

Submission:

Genomenon, Inc
Classification: Pathogenic for Familial intrahepatic cholestasis. Last evaluated: 2026-04-14. Review status: criteria provided, single submitter. Criteria: Genomenon Sequence Variant Interpretation Standards - Updated. Collection method: curation. Allele origin: germline. Affected: yes.
Comment: ABCB4 p.Trp854Ter (c.2561G>A) is a nonsense variant that introduces a premature stop codon at amino acid position 854, creating a truncated protein that is predicted to undergo nonsense-mediated mRNA decay. This variant has been observed in at least one proband with an ABCB4-related disorder (PMID:28924228). It is absent or not present at a significant frequency in gnomAD. In conclusion, we classify ABCB4 p.Trp854Ter (c.2561G>A) as a pathogenic variant.

Literature cited by the submitters: PubMed 28924228.